The following is an entry in ClinVar:

NM_000141.5(FGFR2):c.689C>T (p.Thr230Ile)

Gene: FGFR2 (fibroblast growth factor receptor 2; minus strand). Cytogenetic location: 10q26.13.
Variant type: single nucleotide variant.
Coding change: c.689C>T on transcript NM_000141.5 (MANE Select); coding-DNA position 689, C replaced by T.
Protein change: p.Thr230Ile; replaces threonine 230 with isoleucine.
Molecular consequence: missense variant. On other transcripts: non-coding transcript variant (1).
Genome position (GRCh38, 1-based): chr10:121,538,651, G>A on the plus strand (C>T on the coding strand, the complement: FGFR2 is on the minus strand). VCF-style: chr10-121538651-G-A. GRCh37 (hg19) VCF-style: chr10-123298165-G-A.
Other names: c.689C>T, p.Thr230Ile (NM_001144913.1, NM_001144914.1, NM_001144917.2 and 3 more transcripts); c.422C>T, p.Thr141Ile (NM_001144915.2, NM_001144919.2, NM_001441088.1 and 2 more transcripts); c.344C>T, p.Thr115Ile (NM_001144916.2, NM_001144918.2, NM_001441090.1 and 1 more transcripts); short protein forms T115I, T141I, T230I.
Identifiers: ClinVar variation 4740851 (VCV004740851.1).

ClinVar aggregate classification (germline): Uncertain significance (1 of 4 stars; one submission).

Conditions:
FGFR2-related craniosynostosis. Identifiers: MedGen CN231480.

Submission:

Labcorp Genetics (formerly Invitae), Labcorp
Classification: Uncertain significance for FGFR2-related craniosynostosis. Last evaluated: 2025-09-10. Review status: criteria provided, single submitter. Criteria: Invitae Variant Classification Sherloc (09022015). Collection method: clinical testing. Allele origin: germline.
Comment: This sequence change replaces threonine, which is neutral and polar, with isoleucine, which is neutral and non-polar, at codon 230 of the FGFR2 protein (p.Thr230Ile). This variant is not present in population databases (gnomAD no frequency). This variant has not been reported in the literature in individuals affected with FGFR2-related conditions. Invitae Evidence Modeling of protein sequence and biophysical properties (such as structural, functional, and spatial information, amino acid conservation, physicochemical variation, residue mobility, and thermodynamic stability) indicates that this missense variant is expected to disrupt FGFR2 protein function with a positive predictive value of 80%. In summary, the available evidence is currently insufficient to determine the role of this variant in disease. Therefore, it has been classified as a Variant of Uncertain Significance.